The following is an entry in ClinVar:

ClinVar aggregate classification (germline): Uncertain significance (1 of 4 stars; one submission).

Conditions:
Cohen syndrome (COH1). Also called: Cutis verticis gyrata, retinitis pigmentosa, and sensorineural deafness; PEPPER SYNDROME. Identifiers: Orphanet 193, MedGen C0265223, MONDO:0008999, OMIM 216550.

Submission:

Labcorp Genetics (formerly Invitae), Labcorp
Classification: Uncertain significance for Cohen syndrome. Last evaluated: 2023-12-11. Review status: criteria provided, single submitter. Criteria: Invitae Variant Classification Sherloc (09022015). Collection method: clinical testing. Allele origin: germline.
Comment: This sequence change replaces alanine, which is neutral and non-polar, with threonine, which is neutral and polar, at codon 2313 of the VPS13B protein (p.Ala2313Thr). This variant is not present in population databases (gnomAD no frequency). This variant has not been reported in the literature in individuals affected with VPS13B-related conditions. ClinVar contains an entry for this variant (Variation ID: 1933161). Advanced modeling of protein sequence and biophysical properties (such as structural, functional, and spatial information, amino acid conservation, physicochemical variation, residue mobility, and thermodynamic stability) performed at Invitae indicates that this missense variant is not expected to disrupt VPS13B protein function with a negative predictive value of 80%. In summary, the available evidence is currently insufficient to determine the role of this variant in disease. Therefore, it has been classified as a Variant of Uncertain Significance.

NM_152564.5(VPS13B):c.6862G>A (p.Ala2288Thr)

Gene: VPS13B (vacuolar protein sorting 13 homolog B; plus strand). Cytogenetic location: 8q22.2.
Variant type: single nucleotide variant.
Coding change: c.6862G>A on transcript NM_152564.5 (MANE Select); coding-DNA position 6862, G replaced by A.
Protein change: p.Ala2288Thr; replaces alanine 2288 with threonine.
Molecular consequence: missense variant.
Genome position (GRCh38, 1-based): chr8:99,720,549, G>A. VCF-style: chr8-99720549-G-A. GRCh37 (hg19) VCF-style: chr8-100732777-G-A.
Other names: c.6937G>A, p.Ala2313Thr (NM_017890.5); short protein forms A2288T, A2313T.
Identifiers: ClinVar variation 1933161 (VCV001933161.3), dbSNP rs201909199, ClinGen allele CA183029772.